The following is an entry in ClinVar:

ClinVar aggregate classification (germline): Uncertain significance. Review status: criteria provided, multiple submitters, no conflicts (2 of 4 stars). 2 submissions from 2 submitters: Uncertain significance (2). Last evaluated 2025-07-27.

Allele frequency attached by ClinVar (database versions not stated): ExAC 0.00006; gnomAD 0.00001; TOPMed 0.00001.
gnomAD v4.1: 116 of 1,613,654 alleles (0.0072%); highest among the groups gnomAD compares: Non-Finnish European, 0.0097%; no homozygotes.

Submissions (2):

Labcorp Genetics (formerly Invitae), Labcorp
Classification: Uncertain significance. Last evaluated: 2025-07-27. Review status: criteria provided, single submitter. Criteria: Invitae Variant Classification Sherloc (09022015). Collection method: clinical testing. Allele origin: germline.
Comment: This sequence change replaces threonine, which is neutral and polar, with asparagine, which is neutral and polar, at codon 442 of the POLD2 protein (p.Thr442Asn). This variant is present in population databases (rs530029438, gnomAD 0.006%). This variant has not been reported in the literature in individuals affected with POLD2-related conditions. ClinVar contains an entry for this variant (Variation ID: 2901508). Experimental studies and prediction algorithms are not available or were not evaluated, and the functional significance of this variant is currently unknown. In summary, the available evidence is currently insufficient to determine the role of this variant in disease. Therefore, it has been classified as a Variant of Uncertain Significance.

Ambry Genetics
Classification: Uncertain significance. Last evaluated: 2024-11-28. Review status: criteria provided, single submitter. Criteria: Ambry Variant Classification Scheme 2023. Collection method: clinical testing. Allele origin: germline.

NM_006230.4(POLD2):c.1220C>A (p.Thr407Asn)

Gene: POLD2 (DNA polymerase delta 2, accessory subunit; minus strand). Cytogenetic location: 7p13.
Variant type: single nucleotide variant.
Coding change: c.1220C>A on transcript NM_006230.4 (MANE Select); coding-DNA position 1220, C replaced by A.
Protein change: p.Thr407Asn; replaces threonine 407 with asparagine.
Molecular consequence: missense variant.
Genome position (GRCh38, 1-based): chr7:44,115,324, G>T on the plus strand (C>A on the coding strand, the complement: POLD2 is on the minus strand). VCF-style: chr7-44115324-G-T. GRCh37 (hg19) VCF-style: chr7-44154923-G-T.
Other names: c.1220C>A (NM_001127218.1); c.1220C>A, p.Thr407Asn (NM_001127218.3, NM_001256879.2); short protein forms T407N.
Identifiers: ClinVar variation 2901508 (VCV002901508.4), dbSNP rs530029438, ClinGen allele CA4238596.